The following is an entry in ClinVar:

ClinVar aggregate classification (germline): Conflicting classifications of pathogenicity. Review status: criteria provided, conflicting classifications (1 of 4 stars). 10 submissions from 10 submitters: Uncertain significance (2); Likely benign (7). 1 of the submissions does not count toward it. Last evaluated 2026-08-19.

Conditions:
BMPR1A-related disorder. Also called: BMPR1A-related condition.
Juvenile polyposis syndrome (JPS). Identifiers: Orphanet 2929, MedGen C0345893, MONDO:0017380, OMIM 174900.
Hereditary cancer-predisposing syndrome. Also called: Tumor predisposition; Neoplastic Syndromes, Hereditary; Hereditary neoplastic syndrome; Hereditary Cancer Syndrome. Identifiers: Orphanet 140162, MedGen C0027672, MeSH D009386, MONDO:0015356.

Allele frequency attached by ClinVar (database versions not stated): gnomAD 0.00001 and 0.00002; gnomAD exomes 0.00002 and 0.00010; TOPMed 0.00004; ExAC 0.00005; 1000 Genomes Project 30x 0.00016; 1000 Genomes Project 0.00020.
gnomAD v4.1: 31 of 1,613,978 alleles (0.0019%); highest among the groups gnomAD compares: East Asian, 0.045%; no homozygotes.

Submissions (10):

PreventionGenetics, part of Exact Sciences
Classification: Likely benign for BMPR1A-related condition. Last evaluated: 2026-08-19. Review status: criteria provided, single submitter. Criteria: ACMG Guidelines, 2015. Collection method: clinical testing. Allele origin: germline.
Comment: This variant is classified as likely benign based on ACMG/AMP sequence variant interpretation guidelines (Richards et al. 2015 PMID: 25741868, with internal and published modifications).

Labcorp Genetics (formerly Invitae), Labcorp
Classification: Likely benign for Juvenile polyposis syndrome. Last evaluated: 2026-01-27. Review status: criteria provided, single submitter. Criteria: Invitae Variant Classification Sherloc (09022015). Collection method: clinical testing. Allele origin: germline.

Center for Genomic Medicine, Rigshospitalet, Copenhagen University Hospital
Classification: Uncertain significance. Last evaluated: 2025-03-04. Review status: criteria provided, single submitter. Criteria: ACMG Guidelines, 2015. Collection method: clinical testing. Allele origin: germline.

Myriad Genetics, Inc.
Classification: Likely benign for Juvenile polyposis syndrome. Last evaluated: 2025-01-23. Review status: criteria provided, single submitter. Criteria: Myriad Autosomal Dominant, Autosomal Recessive and X-Linked Classification Criteria (2023). Collection method: clinical testing. Allele origin: unknown.
Comment: This variant is considered likely benign. This variant has been observed at a population frequency that is significantly greater than expected given the associated disease prevalence and penetrance.

Women's Health and Genetics/Laboratory Corporation of America, LabCorp
Classification: Likely benign. Last evaluated: 2024-09-19. Review status: criteria provided, single submitter. Criteria: LabCorp Variant Classification Summary - May 2015. Collection method: clinical testing. Allele origin: germline.

GeneDx
Classification: Uncertain significance. Last evaluated: 2024-06-24. Review status: criteria provided, single submitter. Criteria: GeneDx Variant Classification Process June 2021. Collection method: clinical testing. Allele origin: germline. Affected: yes.
Comment: In silico analysis supports that this missense variant does not alter protein structure/function; Observed in individuals with breast cancer, ovarian cancer, or neuroblastoma (PMID: 26580448, 30093976, 30630526); This variant is associated with the following publications: (PMID: 25186949, 30093976, 26580448, 30630526)

Ambry Genetics
Classification: Likely benign for Hereditary cancer-predisposing syndrome. Last evaluated: 2021-04-23. Review status: criteria provided, single submitter. Criteria: Ambry Variant Classification Scheme 2023. Collection method: clinical testing. Allele origin: germline.

Sema4
Classification: Likely benign for Hereditary cancer-predisposing syndrome. Last evaluated: 2021-01-11. Review status: criteria provided, single submitter. Criteria: Sema4 Curation Guidelines. Collection method: curation. Allele origin: germline.

Color Diagnostics, LLC DBA Color Health
Classification: Likely benign for Hereditary cancer-predisposing syndrome. Last evaluated: 2020-08-11. Review status: criteria provided, single submitter. Criteria: ACMG Guidelines, 2015. Collection method: clinical testing. Allele origin: germline.

Counsyl
Classification: Uncertain significance for Juvenile polyposis syndrome. Last evaluated: 2018-04-05. Review status: no assertion criteria provided. Collection method: clinical testing. Allele origin: unknown. Not counted in ClinVar's aggregate classification.

Literature cited by the submitters: PubMed 26580448 (cited by Ambry Genetics); PubMed 30093976 (cited by Ambry Genetics).

NM_004329.3(BMPR1A):c.713G>A (p.Arg238Gln)

Gene: BMPR1A (bone morphogenetic protein receptor type 1A; plus strand). Cytogenetic location: 10q23.2.
Variant type: single nucleotide variant.
Coding change: c.713G>A on transcript NM_004329.3 (MANE Select); coding-DNA position 713, G replaced by A.
Protein change: p.Arg238Gln; replaces arginine 238 with glutamine.
Molecular consequence: missense variant.
Genome position (GRCh38, 1-based): chr10:86,917,171, G>A. VCF-style: chr10-86917171-G-A. GRCh37 (hg19) VCF-style: chr10-88676928-G-A.
Other names: short protein forms R238Q.
Identifiers: ClinVar variation 141277 (VCV000141277.32), dbSNP rs191742018, ClinGen allele CA164973.